The following is an entry in ClinVar:

NM_001130823.3(DNMT1):c.4491C>T (p.Ala1497=)

Genes: DNMT1 (DNA methyltransferase 1; minus strand), LOC126862853 (CDK7 strongly-dependent group 2 enhancer GRCh37_chr19:10246117-10247316; plus strand). Cytogenetic location: 19p13.2.
Variant type: single nucleotide variant.
Coding change: c.4491C>T on transcript NM_001130823.3 (MANE Select); coding-DNA position 4491, C replaced by T.
Protein change: p.Ala1497=; no amino-acid change (alanine 1497 retained).
Molecular consequence: synonymous variant.
Genome position (GRCh38, 1-based): chr19:10,136,286, G>A on the plus strand (C>T on the coding strand, the complement: DNMT1 is on the minus strand). VCF-style: chr19-10136286-G-A. GRCh37 (hg19) VCF-style: chr19-10246962-G-A.
Other names: c.4452C>T, p.Ser1484= (NM_001318730.2); c.4128C>T, p.Ala1376= (NM_001318731.2); c.4443C>T, p.Ala1481= (NM_001379.4); c.4491C>T (NM_001130823.2).
Identifiers: ClinVar variation 704251 (VCV000704251.10), dbSNP rs776248336, ClinGen allele CA9187489.

ClinVar aggregate classification (germline): Likely benign. Review status: criteria provided, multiple submitters, no conflicts (2 of 4 stars). 3 submissions from 3 submitters: Likely benign (3). Last evaluated 2026-01-21.

Conditions:
DNMT1-related disorder. Also called: DNMT1-related condition. Identifiers: MedGen CN381527.
Hereditary sensory neuropathy-deafness-dementia syndrome. Also called: NEUROPATHY, HEREDITARY SENSORY, WITH HEARING LOSS AND DEMENTIA; Hereditary Sensory and Autonomic Neuropathy Type 1E (HSAN1E); HSN IE; Hereditary sensory neuropathy type IE. Identifiers: Orphanet 456318, MedGen C3279885, MONDO:0013584, OMIM 614116.

Allele frequency attached by ClinVar (database versions not stated): gnomAD exomes 0.00004; TOPMed 0.00005; ExAC 0.00006; gnomAD 0.00007.
gnomAD v4.1: 39 of 1,613,672 alleles (0.0024%); highest among the groups gnomAD compares: South Asian, 0.0044%; no homozygotes.

Submissions (3):

PreventionGenetics, part of Exact Sciences
Classification: Likely benign for DNMT1-related condition. Last evaluated: 2026-01-21. Review status: criteria provided, single submitter. Criteria: ACMG Guidelines, 2015. Collection method: clinical testing. Allele origin: germline.
Comment: This variant is classified as likely benign based on ACMG/AMP sequence variant interpretation guidelines (Richards et al. 2015 PMID: 25741868, with internal and published modifications).

Labcorp Genetics (formerly Invitae), Labcorp
Classification: Likely benign for Hereditary sensory neuropathy-deafness-dementia syndrome. Last evaluated: 2024-09-15. Review status: criteria provided, single submitter. Criteria: Invitae Variant Classification Sherloc (09022015). Collection method: clinical testing. Allele origin: germline.

Breakthrough Genomics
Classification: Likely benign. Review status: criteria provided, single submitter. Criteria: ACMG Guidelines, 2015. Collection method: not provided. Allele origin: germline. Inheritance: Autosomal dominant inheritance. Affected: yes.